The following is an entry in ClinVar:

ClinVar aggregate classification (germline): Likely pathogenic (1 of 4 stars; one submission).

Conditions:
Ornithine carbamoyltransferase deficiency (OTCD). Also called: ORNITHINE TRANSCARBAMYLASE DEFICIENCY; ORNITHINE TRANSCARBAMYLASE DEFICIENCY, HYPERAMMONEMIA DUE TO; OTC DEFICIENCY; Ornithine Carbamoyltransferase Deficiency Disease. Identifiers: Orphanet 664, MedGen C0268542, MONDO:0010703, OMIM 311250.

Submission:

Genetics and Molecular Pathology, SA Pathology
Classification: Likely pathogenic for Ornithine carbamoyltransferase deficiency. Last evaluated: 2022-12-14. Review status: criteria provided, single submitter. Criteria: ACMG Guidelines, 2015. Collection method: clinical testing. Allele origin: germline. Affected: yes.
Comment: The OTC c.717G>T variant is classified as PATHOGENIC (PM2, PP3, PS1_Moderate, PM1_Moderate, PP4_moderate) The OTC c.717G>T variant is a single nucleotide substitution that causes a glutamic acid to aspartic acid amino acid change at position 239 in the protein. This variant has not been reported in population databases, ClinVar or dbSNP (PM2). A deleterious effect is predicted (REVEL score 0.669), and SpliceAI prediction tools predict donor site loss (Δ0.86) (PP3). The same amino acid change has been reported in a patient with OTC deficiency (PMID16786505) and another patient has been reported with a different missense variant at the same amino acid residue also associated with OTC deficiency (PMID 28324312) (PS1_moderate). This variant is n a mutational hotspot (PM1_moderate). This individual is biochemically and clinically diagnosed with OTC deficiency, which is phenotype is entirely consistent with the OTC gene aetiology (PP4_moderate).

Literature cited by the submitters: PubMed 16786505; PubMed 28324312.

NM_000531.6(OTC):c.717G>T (p.Glu239Asp)

Gene: OTC (ornithine transcarbamylase; plus strand). Cytogenetic location: Xp11.4.
Variant type: single nucleotide variant.
Coding change: c.717G>T on transcript NM_000531.6 (MANE Select); coding-DNA position 717, G replaced by T.
Protein change: p.Glu239Asp; replaces glutamic acid 239 with aspartic acid.
Molecular consequence: missense variant.
Genome position (GRCh38, 1-based): chrX:38,408,795, G>T. VCF-style: chrX-38408795-G-T. GRCh37 (hg19) VCF-style: chrX-38268048-G-T.
Other names: c.717G>T, p.Glu239Asp (NM_001407092.1); short protein forms E239D.
Identifiers: ClinVar variation 2664686 (VCV002664686.1), dbSNP rs66851495, ClinGen allele CA412721916.